The following is an entry in ClinVar:

ClinVar aggregate classification (germline): Likely pathogenic (1 of 4 stars; one submission).

Conditions:
Bethlem myopathy 1A. Also called: Bethlem Muscular Dystrophy; MYOPATHY, BENIGN CONGENITAL, WITH CONTRACTURES; Bethlem myopathy 1. Identifiers: Orphanet 610, MedGen CN029274, MONDO:0024530, OMIM 158810.

Submission:

MGZ Medical Genetics Center
Classification: Likely pathogenic for Bethlem myopathy 1A. Last evaluated: 2021-08-16. Review status: criteria provided, single submitter. Criteria: ACMG Guidelines, 2015. Collection method: clinical testing. Allele origin: germline. Affected: yes. Observed: 1 variant allele.
Comment: ACMG criteria applied: PVS1, PM2_SUP

NM_004369.4(COL6A3):c.4950_4963del (p.Arg1651fs)

Gene: COL6A3 (collagen type VI alpha 3 chain; minus strand). Cytogenetic location: 2q37.3.
Variant type: Deletion.
Coding change: c.4950_4963del on transcript NM_004369.4 (MANE Select); coding-DNA positions 4950 to 4963, 14 bases deleted (CAGGAGGGACAGTT).
Protein change: p.Arg1651fs; shifts the reading frame from arginine 1651.
Molecular consequence: frameshift variant.
Genome position (GRCh38, 1-based): chr2:237,367,224-237,367,237, AACTGTCCCTCCTG deleted on the plus strand (CAGGAGGGACAGTT on the coding strand, the reverse complement: COL6A3 is on the minus strand); deleting any 14 consecutive bases within chr2:237,367,224-237,367,239 gives the same sequence; the c. name uses the placement nearest the transcript's 3' end. VCF-style (leftmost placement, unchanged base first): chr2-237367223-AAACTGTCCCTCCTG-A. GRCh37 (hg19) VCF-style: chr2-238275866-AAACTGTCCCTCCTG-A.
Other names: c.3129_3142del, p.Arg1044fs (NM_057166.5); c.4332_4345del, p.Arg1445fs (NM_057167.4); short protein forms R1044fs, R1445fs, R1651fs.
Identifiers: ClinVar variation 1709715 (VCV001709715.2), dbSNP rs2469884673, ClinGen allele CA2580066119.
Genomic context (GRCh38, chr2:237,367,223, plus strand): 5'-GAGTCGCCATCTTCATAAACTGTGTCCACTATTTCAGACACAAAACGAAGCACTTCCTGG[AAACTGTCCCTCCTG>A]AAGTTGATGGAACCATCCAACAGGAACACAATGTCTGCTTTCTTCTTCTCTAGAAGTGAT-3'